The following is an entry in ClinVar:

NM_006231.4(POLE):c.6737T>G (p.Ile2246Ser)

Gene: POLE (DNA polymerase epsilon, catalytic subunit; minus strand). Cytogenetic location: 12q24.33.
Variant type: single nucleotide variant.
Coding change: c.6737T>G on transcript NM_006231.4 (MANE Select); coding-DNA position 6737, T replaced by G.
Protein change: p.Ile2246Ser; replaces isoleucine 2246 with serine.
Molecular consequence: missense variant.
Genome position (GRCh38, 1-based): chr12:132,624,915, A>C on the plus strand (T>G on the coding strand, the complement: POLE is on the minus strand). VCF-style: chr12-132624915-A-C. GRCh37 (hg19) VCF-style: chr12-133201501-A-C.
Other names: short protein forms I2246S.
Identifiers: ClinVar variation 4743167 (VCV004743167.1).

ClinVar aggregate classification (germline): Uncertain significance (1 of 4 stars; one submission).

Submission:

Labcorp Genetics (formerly Invitae), Labcorp
Classification: Uncertain significance. Last evaluated: 2025-11-17. Review status: criteria provided, single submitter. Criteria: Invitae Variant Classification Sherloc (09022015). Collection method: clinical testing. Allele origin: germline.
Comment: This sequence change replaces isoleucine, which is neutral and non-polar, with serine, which is neutral and polar, at codon 2246 of the POLE protein (p.Ile2246Ser). This variant is not present in population databases (gnomAD no frequency). This variant has not been reported in the literature in individuals affected with POLE-related conditions. Invitae Evidence Modeling of protein sequence and biophysical properties (such as structural, functional, and spatial information, amino acid conservation, physicochemical variation, residue mobility, and thermodynamic stability) indicates that this missense variant is not expected to disrupt POLE protein function with a negative predictive value of 80%. In summary, the available evidence is currently insufficient to determine the role of this variant in disease. Therefore, it has been classified as a Variant of Uncertain Significance.